The following is an entry in ClinVar:

ClinVar aggregate classification (germline): Conflicting classifications of pathogenicity. Review status: criteria provided, conflicting classifications (1 of 4 stars). 3 submissions from 3 submitters: Uncertain significance (2); Likely benign (1). Last evaluated 2025-11-25.

Conditions:
Inborn genetic diseases. Identifiers: MedGen C0950123, MeSH D030342.
Holoprosencephaly 11 (HPE11). Identifiers: Orphanet 2162, MedGen C3280215, MONDO:0013642, OMIM 614226.

Allele frequency attached by ClinVar (database versions not stated): ExAC 0.00007; gnomAD exomes 0.00010 and 0.00029; gnomAD 0.00011 and 0.00014; TOPMed 0.00015.
gnomAD v4.1: 438 of 1,613,774 alleles (0.027%); highest among the groups gnomAD compares: Non-Finnish European, 0.035%; no homozygotes.

Submissions (3):

Labcorp Genetics (formerly Invitae), Labcorp
Classification: Uncertain significance for Holoprosencephaly 11. Last evaluated: 2025-11-25. Review status: criteria provided, single submitter. Criteria: Invitae Variant Classification Sherloc (09022015). Collection method: clinical testing. Allele origin: germline.
Comment: This sequence change replaces asparagine, which is neutral and polar, with serine, which is neutral and polar, at codon 609 of the CDON protein (p.Asn609Ser). This variant is present in population databases (rs756054017, gnomAD 0.02%). This variant has not been reported in the literature in individuals affected with CDON-related conditions. ClinVar contains an entry for this variant (Variation ID: 303511). Invitae Evidence Modeling of protein sequence and biophysical properties (such as structural, functional, and spatial information, amino acid conservation, physicochemical variation, residue mobility, and thermodynamic stability) indicates that this missense variant is not expected to disrupt CDON protein function with a negative predictive value of 80%. In summary, the available evidence is currently insufficient to determine the role of this variant in disease. Therefore, it has been classified as a Variant of Uncertain Significance.

Ambry Genetics
Classification: Likely benign for Inborn genetic diseases. Last evaluated: 2022-07-12. Review status: criteria provided, single submitter. Criteria: Ambry Variant Classification Scheme 2023. Collection method: clinical testing. Allele origin: germline.

Illumina Laboratory Services, Illumina
Classification: Uncertain significance for Holoprosencephaly 11. Last evaluated: 2018-01-12. Review status: criteria provided, single submitter. Criteria: ICSL Variant Classification Criteria 13 December 2019. Collection method: clinical testing. Allele origin: germline.

NM_001378964.1(CDON):c.1826A>G (p.Asn609Ser)

Gene: CDON (cell adhesion associated, oncogene regulated; minus strand). Cytogenetic location: 11q24.2.
Variant type: single nucleotide variant.
Coding change: c.1826A>G on transcript NM_001378964.1 (MANE Select); coding-DNA position 1826, A replaced by G.
Protein change: p.Asn609Ser; replaces asparagine 609 with serine.
Molecular consequence: missense variant.
Genome position (GRCh38, 1-based): chr11:126,005,784, T>C on the plus strand (A>G on the coding strand, the complement: CDON is on the minus strand). VCF-style: chr11-126005784-T-C. GRCh37 (hg19) VCF-style: chr11-125875679-T-C.
Other names: c.1826A>G, p.Asn609Ser (NM_001243597.3, NM_016952.6); short protein forms N609S.
Identifiers: ClinVar variation 303511 (VCV000303511.13), dbSNP rs756054017, ClinGen allele CA6351940.